The following is an entry in ClinVar:

NM_001382391.1(CSPP1):c.271T>A (p.Leu91Met)

Gene: CSPP1 (centrosome and spindle pole associated protein 1; plus strand). Cytogenetic location: 8q13.1.
Variant type: single nucleotide variant.
Coding change: c.271T>A on transcript NM_001382391.1 (MANE Select); coding-DNA position 271, T replaced by A.
Protein change: p.Leu91Met; replaces leucine 91 with methionine.
Molecular consequence: missense variant. On other transcripts: 5 prime UTR variant (1).
Genome position (GRCh38, 1-based): chr8:67,086,078, T>A. VCF-style: chr8-67086078-T-A. GRCh37 (hg19) VCF-style: chr8-67998313-T-A.
Other names: c.-504T>A (NM_001291339.2); c.271T>A, p.Leu91Met (NM_001363131.2, NM_001363132.2, NM_001363133.2); c.379T>A, p.Leu127Met (NM_001364869.1, NM_001364870.1, NM_024790.7); short protein forms L127M, L91M.
Identifiers: ClinVar variation 1307275 (VCV001307275.6), dbSNP rs374300498, ClinGen allele CA4770184.

ClinVar aggregate classification (germline): Uncertain significance. Review status: criteria provided, multiple submitters, no conflicts (2 of 4 stars). 3 submissions from 3 submitters: Uncertain significance (3). Last evaluated 2025-08-23.

Conditions:
Inborn genetic diseases. Identifiers: MedGen C0950123, MeSH D030342.
Joubert syndrome 21 (JBTS21). Identifiers: MedGen C3810212, MONDO:0014288, OMIM 615636.

Allele frequency attached by ClinVar (database versions not stated): TOPMed 0.00003; ESP Exome Variant Server 0.00008.
gnomAD v4.1: 14 of 1,503,722 alleles (0.00093%); highest among the groups gnomAD compares: African/African-American, 0.0014%; no homozygotes.

Submissions (3):

Ambry Genetics
Classification: Uncertain significance for Inborn genetic diseases. Last evaluated: 2025-08-23. Review status: criteria provided, single submitter. Criteria: Ambry Variant Classification Scheme 2023. Collection method: clinical testing. Allele origin: germline.

Labcorp Genetics (formerly Invitae), Labcorp
Classification: Uncertain significance for Joubert syndrome 21. Last evaluated: 2022-10-05. Review status: criteria provided, single submitter. Criteria: Invitae Variant Classification Sherloc (09022015). Collection method: clinical testing. Allele origin: germline.
Comment: This sequence change replaces leucine, which is neutral and non-polar, with methionine, which is neutral and non-polar, at codon 127 of the CSPP1 protein (p.Leu127Met). This variant is present in population databases (rs374300498, gnomAD 0.002%). This variant has not been reported in the literature in individuals affected with CSPP1-related conditions. ClinVar contains an entry for this variant (Variation ID: 1307275). Algorithms developed to predict the effect of missense changes on protein structure and function are either unavailable or do not agree on the potential impact of this missense change (SIFT: "Deleterious"; PolyPhen-2: "Probably Damaging"; Align-GVGD: "Class C0"). In summary, the available evidence is currently insufficient to determine the role of this variant in disease. Therefore, it has been classified as a Variant of Uncertain Significance.

GeneDx
Classification: Uncertain significance. Last evaluated: 2019-08-02. Review status: criteria provided, single submitter. Criteria: GeneDx Variant Classification Process June 2021. Collection method: clinical testing. Allele origin: germline. Affected: yes.
Comment: Not observed at a significant frequency in large population cohorts (Lek et al., 2016); In silico analysis, which includes protein predictors and evolutionary conservation, supports that this variant does not alter protein structure/function; Has not been previously published as pathogenic or benign to our knowledge